The following is an entry in ClinVar:

NM_006231.4(POLE):c.1480C>G (p.Arg494Gly)

Gene: POLE (DNA polymerase epsilon, catalytic subunit; minus strand). Cytogenetic location: 12q24.33.
Variant type: single nucleotide variant.
Coding change: c.1480C>G on transcript NM_006231.4 (MANE Select); coding-DNA position 1480, C replaced by G.
Protein change: p.Arg494Gly; replaces arginine 494 with glycine.
Molecular consequence: missense variant.
Genome position (GRCh38, 1-based): chr12:132,672,833, G>C on the plus strand (C>G on the coding strand, the complement: POLE is on the minus strand). VCF-style: chr12-132672833-G-C. GRCh37 (hg19) VCF-style: chr12-133249419-G-C.
Other names: short protein forms R494G.
Identifiers: ClinVar variation 971971 (VCV000971971.9), dbSNP rs756829894, ClinGen allele CA387357785.

ClinVar aggregate classification (germline): Uncertain significance (1 of 4 stars; one submission).

gnomAD v4.1: 1 of 1,613,482 alleles (0.000062%); highest among the groups gnomAD compares: Non-Finnish European, 0.000085%; no homozygotes.

Submission:

Labcorp Genetics (formerly Invitae), Labcorp
Classification: Uncertain significance. Last evaluated: 2019-10-30. Review status: criteria provided, single submitter. Criteria: Invitae Variant Classification Sherloc (09022015). Collection method: clinical testing. Allele origin: germline.
Comment: This sequence change replaces arginine with glycine at codon 494 of the POLE protein (p.Arg494Gly). The arginine residue is highly conserved and there is a moderate physicochemical difference between arginine and glycine. This variant is not present in population databases (ExAC no frequency). This variant has not been reported in the literature in individuals with POLE-related conditions. Algorithms developed to predict the effect of missense changes on protein structure and function (SIFT, PolyPhen-2, Align-GVGD) all suggest that this variant is likely to be disruptive, but these predictions have not been confirmed by published functional studies and their clinical significance is uncertain. In summary, the available evidence is currently insufficient to determine the role of this variant in disease. Therefore, it has been classified as a Variant of Uncertain Significance.